The following is an entry in ClinVar:

ClinVar aggregate classification (germline): Likely benign (1 of 4 stars; one submission).

Submission:

CeGaT Center for Human Genetics Tuebingen
Classification: Likely benign. Last evaluated: 2026-10-01. Review status: criteria provided, single submitter. Criteria: CeGaT Center For Human Genetics Tuebingen Variant Classification Criteria Version 2. Collection method: clinical testing. Allele origin: germline. Affected: yes. Observed: 6 variant alleles.
Comment: USF3: BS1

NM_001009899.4(USF3):c.4383GCA[14] (p.Gln1478_Ala1479insGlnGln)

Gene: USF3 (upstream transcription factor family member 3; minus strand). Cytogenetic location: 3q13.2.
Variant type: Microsatellite.
Coding change: c.4383GCA[14] on transcript NM_001009899.4 (MANE Select); 14 copies in a row of the 3-base unit GCA starting at c.4383; the reference has 12 copies in a row; two copies, 6 bases duplicated.
Protein change: p.Gln1478_Ala1479insGlnGln.
Molecular consequence: inframe insertion.
Genome position (GRCh38, 1-based): chr3:113,657,264-113,657,269, TGCTGC duplicated on the plus strand (GCAGCA on the coding strand, the reverse complement: USF3 is on the minus strand); duplicating any 6 consecutive bases within chr3:113,657,264-113,657,300 gives the same sequence; the position shown is the placement nearest the transcript's 3' end. VCF-style (leftmost placement, unchanged base first): chr3-113657263-T-TTGCTGC. GRCh37 (hg19) VCF-style: chr3-113376110-T-TTGCTGC.
Identifiers: ClinVar variation 1695081 (VCV001695081.32), dbSNP rs10606566, ClinGen allele CA2546817.